The following is an entry in ClinVar:

NM_006206.6(PDGFRA):c.2750_2759dup (p.His920delinsGlnAlaTer)

Gene: PDGFRA (platelet derived growth factor receptor alpha; plus strand). Cytogenetic location: 4q12.
Variant type: Duplication.
Coding change: c.2750_2759dup on transcript NM_006206.6 (MANE Select); coding-DNA positions 2750 to 2759, 10 bases duplicated (AGCCTGACCA; older notation c.2750_2759dupAGCCTGACCA).
Protein change: p.His920delinsGlnAlaTer.
Molecular consequence: nonsense.
Genome position (GRCh38, 1-based): chr4:54,288,874-54,288,883, AGCCTGACCA duplicated; duplicating any 10 consecutive bases within chr4:54,288,871-54,288,883 gives the same sequence; the c. name uses the placement nearest the transcript's 3' end. VCF-style (leftmost placement, unchanged base first): chr4-54288870-G-GCCAAGCCTGA. GRCh37 (hg19) VCF-style: chr4-55155037-G-GCCAAGCCTGA.
Other names: c.2825_2834dup, p.His945delinsGlnAlaTer (NM_001347828.2); c.2750_2759dup, p.His920delinsGlnAlaTer (NM_001347829.2); c.2789_2798dup, p.His933delinsGlnAlaTer (NM_001347830.2).
Identifiers: ClinVar variation 2707925 (VCV002707925.3), dbSNP rs2475559751, ClinGen allele CA2697546723.
Genomic context (GRCh38, chr4:54,288,870, plus strand): 5'-TACCCCGGCATGATGGTGGATTCTACTTTCTACAATAAGATCAAGAGTGGGTACCGGATG[G>GCCAAGCCTGA]CCAAGCCTGACCACGCTACCAGTGAAGTGTGAGCTCCTTCCCCATCCCGGGGGCCTGTGT-3'

ClinVar aggregate classification (germline): Uncertain significance (1 of 4 stars; one submission).

Conditions:
Gastrointestinal stromal tumor. Also called: Gastrointestinal stromal tumor, somatic; Gastrointestinal stroma tumor. Identifiers: Orphanet 44890, MedGen C0238198, MeSH D046152, MONDO:0011719, OMIM 606764, HP:0100723.

Submission:

Labcorp Genetics (formerly Invitae), Labcorp
Classification: Uncertain significance for Gastrointestinal stromal tumor. Last evaluated: 2024-01-06. Review status: criteria provided, single submitter. Criteria: Invitae Variant Classification Sherloc (09022015). Collection method: clinical testing. Allele origin: germline.
Comment: This sequence change creates a premature translational stop signal (p.His920Glnfs*3) in the PDGFRA gene. It is expected to result in an absent or disrupted protein product. However, the current clinical and genetic evidence is not sufficient to establish whether loss-of-function variants in PDGFRA cause disease. This variant is not present in population databases (gnomAD no frequency). This variant has not been reported in the literature in individuals affected with PDGFRA-related conditions. In summary, the available evidence is currently insufficient to determine the role of this variant in disease. Therefore, it has been classified as a Variant of Uncertain Significance.